The following is an entry in ClinVar:

NM_001148.6(ANK2):c.2377-8C>T

Gene: ANK2 (ankyrin 2; plus strand). Cytogenetic location: 4q26.
Variant type: single nucleotide variant.
Coding change: c.2377-8C>T on transcript NM_001148.6 (MANE Select); 8 bases into the intron before coding-DNA position 2377, C replaced by T.
Molecular consequence: intron variant.
Genome position (GRCh38, 1-based): chr4:113,293,432, C>T. VCF-style: chr4-113293432-C-T. GRCh37 (hg19) VCF-style: chr4-114214588-C-T.
Other names: p.?; c.2377-8C>T (NM_001148.5, NM_001354225.2, NM_001354235.2 and 8 more transcripts); c.2365-8C>T (NM_001386186.2, NM_001386148.2); c.2167-8C>T (NM_001354269.3); c.2341-8C>T (NM_001386187.2); c.2335-8C>T (NM_001386147.1, NM_001386160.1, NM_001354261.2); c.2314-8C>T (NM_001354254.2, NM_001354239.2, NM_001354252.2 and 10 more transcripts); c.2215-8C>T (NM_001354253.2, NM_001354270.2, NM_001354257.2 and 1 more transcripts); and 10 more.
Identifiers: ClinVar variation 136386 (VCV000136386.58), dbSNP rs139893914, ClinGen allele CA289442.
Genomic context (GRCh38, chr4:113,293,432, plus strand): 5'-GAGCTCATTGGCTCACATCGCAGTCCTCTCTCTTATTTCTCACTCTCTCTCTTTCACTCT[C>T]TCTTCAGAATGGCAACACTGCCTTGGCGATTGCTAAGCGTCTGGGCTACATCTCCGTGGT-3'

ClinVar aggregate classification (germline): Benign/Likely benign. Review status: criteria provided, multiple submitters, no conflicts (2 of 4 stars). 14 submissions from 14 submitters: Benign (9); Likely benign (4). 1 of the submissions does not count toward it. Last evaluated 2026-09-01.

Conditions:
Long QT syndrome (LQTS). Identifiers: MedGen C0023976, MeSH D008133, MONDO:0002442. Disease mechanism: loss of function. Inheritance: Various modes of inheritance.
Cardiac arrhythmia, ankyrin-B-related. Also called: ANKYRIN-B SYNDROME. Identifiers: Orphanet 101016, Orphanet 768, MedGen C1970119, MONDO:0010958, OMIM 600919.

Allele frequency attached by ClinVar (database versions not stated): 1000 Genomes Project 0.00419; 1000 Genomes Project 30x 0.00484; gnomAD 0.00672 and 0.00682; TOPMed 0.00705; ESP Exome Variant Server 0.00807.
gnomAD v4.1: 15,362 of 1,611,062 alleles (0.95%); highest among the groups gnomAD compares: Non-Finnish European, 1.2%; 91 homozygotes.

Submissions (14):

CeGaT Center for Human Genetics Tuebingen
Classification: Benign. Last evaluated: 2026-09-01. Review status: criteria provided, single submitter. Criteria: CeGaT Center For Human Genetics Tuebingen Variant Classification Criteria Version 2. Collection method: clinical testing. Allele origin: germline. Affected: yes. Observed: 23 variant alleles.
Comment: ANK2: BP4, BS1, BS2

Labcorp Genetics (formerly Invitae), Labcorp
Classification: Benign for Long QT syndrome. Last evaluated: 2026-02-03. Review status: criteria provided, single submitter. Criteria: Invitae Variant Classification Sherloc (09022015). Collection method: clinical testing. Allele origin: germline.

Molecular Diagnostic Laboratory for Inherited Cardiovascular Disease, Montreal Heart Institute
Classification: Benign. Last evaluated: 2025-04-09. Review status: criteria provided, single submitter. Criteria: ACMG Guidelines, 2015. Collection method: clinical testing. Allele origin: germline. Affected: no.

Blueprint Genetics
Classification: Likely benign. Last evaluated: 2024-11-26. Review status: criteria provided, single submitter. Criteria: ACMG Guidelines, 2015. Collection method: clinical testing. Allele origin: germline.

Mayo Clinic Laboratories, Mayo Clinic
Classification: Benign. Last evaluated: 2024-06-21. Review status: criteria provided, single submitter. Criteria: ACMG Guidelines, 2015. Collection method: clinical testing. Allele origin: germline. Observed: 15 variant alleles.
Comment: BS1, BS2, BP4, BP7

ARUP Laboratories, Molecular Genetics and Genomics, ARUP Laboratories
Classification: Benign. Last evaluated: 2022-03-08. Review status: criteria provided, single submitter. Criteria: ARUP Molecular Germline Variant Investigation Process 2021. Collection method: clinical testing. Allele origin: germline.

Genome-Nilou Lab
Classification: Benign for Cardiac arrhythmia, ankyrin-B-related. Last evaluated: 2021-12-05. Review status: criteria provided, single submitter. Criteria: ACMG Guidelines, 2015. Collection method: clinical testing. Allele origin: germline. Affected: no.

Illumina Laboratory Services, Illumina
Classification: Likely benign for Cardiac arrhythmia, ankyrin-B-related. Last evaluated: 2018-01-13. Review status: criteria provided, single submitter. Criteria: ICSL Variant Classification Criteria 13 December 2019. Collection method: clinical testing. Allele origin: germline.
Comment: This variant was observed in the ICSL laboratory as part of a predisposition screen in an ostensibly healthy population. It had not been previously curated by ICSL or reported in the Human Gene Mutation Database (HGMD: prior to June 1st, 2018), and was therefore a candidate for classification through an automated scoring system. Utilizing variant allele frequency, disease prevalence and penetrance estimates, and inheritance mode, an automated score was calculated to assess if this variant is too frequent to cause the disease. Based on the score and internal cut-off values, a variant classified as likely benign is not then subjected to further curation. The score for this variant resulted in a classification of likely benign for this disease.

Phosphorus, Inc.
Classification: Benign for Cardiac arrhythmia, ankyrin-B-related. Last evaluated: 2017-08-01. Review status: criteria provided, single submitter. Criteria: ACMG Guidelines, 2015. Collection method: clinical testing. Allele origin: germline. Observed: 1 variant allele.

Eurofins Ntd Llc (ga)
Classification: Likely benign. Last evaluated: 2016-10-19. Review status: criteria provided, single submitter. Criteria: EGL Classification Definitions 2015. Collection method: clinical testing. Allele origin: germline. Observed: 1 variant allele, 1 heterozygote.

Genome Diagnostics Laboratory, University Medical Center Utrecht
Classification: Likely benign for Cardiac arrhythmia, ankyrin-B-related. Last evaluated: 2014-10-09. Review status: criteria provided, single submitter. Criteria: ACGS Guidelines, 2013. Collection method: clinical testing. Allele origin: germline. Affected: yes. Study: VKGL Data-share Consensus.

GeneDx
Classification: Benign. Last evaluated: 2011-07-10. Review status: criteria provided, single submitter. Criteria: GeneDx Variant Classification (06012015). Collection method: clinical testing. Allele origin: germline. Affected: yes.
Comment: This variant is considered likely benign or benign based on one or more of the following criteria: it is a conservative change, it occurs at a poorly conserved position in the protein, it is predicted to be benign by multiple in silico algorithms, and/or has population frequency not consistent with disease.

PreventionGenetics, part of Exact Sciences
Classification: Benign. Review status: criteria provided, single submitter. Criteria: ACMG Guidelines, 2015. Collection method: clinical testing. Allele origin: germline.

Clinical Genetics, Academic Medical Center
Classification: Benign. Review status: no assertion criteria provided. Collection method: clinical testing. Allele origin: germline. Affected: yes. Study: VKGL Data-share Consensus. Not counted in ClinVar's aggregate classification.